The following is an entry in ClinVar:

ClinVar aggregate classification (germline): Uncertain significance (1 of 4 stars; one submission).

Submission:

Labcorp Genetics (formerly Invitae), Labcorp
Classification: Uncertain significance. Last evaluated: 2021-09-27. Review status: criteria provided, single submitter. Criteria: Invitae Variant Classification Sherloc (09022015). Collection method: clinical testing. Allele origin: germline.
Comment: In summary, the available evidence is currently insufficient to determine the role of this variant in disease. Therefore, it has been classified as a Variant of Uncertain Significance. This variant has not been reported in the literature in individuals affected with LAMC3-related conditions. This variant is not present in population databases (ExAC no frequency). This sequence change creates a premature translational stop signal (p.Glu1569*) in the LAMC3 gene. While this is not anticipated to result in nonsense mediated decay, it is expected to disrupt the last 7 amino acid(s) of the LAMC3 protein.

NM_006059.4(LAMC3):c.4705G>T (p.Glu1569Ter)

Gene: LAMC3 (laminin subunit gamma 3; plus strand). Cytogenetic location: 9q34.12.
Variant type: single nucleotide variant.
Coding change: c.4705G>T on transcript NM_006059.4 (MANE Select); coding-DNA position 4705, G replaced by T.
Protein change: p.Glu1569Ter; replaces glutamic acid 1569 with a stop codon.
Molecular consequence: nonsense.
Genome position (GRCh38, 1-based): chr9:131,091,764, G>T. VCF-style: chr9-131091764-G-T. GRCh37 (hg19) VCF-style: chr9-133967151-G-T.
Other names: short protein forms E1569*.
Identifiers: ClinVar variation 1383601 (VCV001383601.6), dbSNP rs145287578, ClinGen allele CA375267539.